The following is an entry in ClinVar:

ClinVar aggregate classification (germline): Likely benign. Review status: criteria provided, multiple submitters, no conflicts (2 of 4 stars). 5 submissions from 5 submitters: Likely benign (5). Last evaluated 2025-10-02.

Conditions:
Dilated cardiomyopathy 1G (CMD1G). Identifiers: Orphanet 154, MedGen C1858763, MONDO:0011400, OMIM 604145.
Autosomal recessive limb-girdle muscular dystrophy type 2J (LGMDR10). Also called: MUSCULAR DYSTROPHY, LIMB-GIRDLE, AUTOSOMAL RECESSIVE 10; Limb-girdle muscular dystrophy, type 2J. Identifiers: Orphanet 140922, MedGen C1837342, MONDO:0012127, OMIM 608807.
TTN-related disorder. Also called: TTN-related disorders; TTN-related condition; TTN-related disease.
Cardiovascular phenotype. Identifiers: MedGen CN230736.

Allele frequency attached by ClinVar (database versions not stated): gnomAD exomes 0.00001 and 0.00003; ExAC 0.00006; gnomAD 0.00010 and 0.00011; TOPMed 0.00013; 1000 Genomes Project 30x 0.00031; 1000 Genomes Project 0.00040.
gnomAD v4.1: 33 of 1,612,826 alleles (0.002%); highest among the groups gnomAD compares: African/African-American, 0.035%; no homozygotes.

Submissions (5):

Labcorp Genetics (formerly Invitae), Labcorp
Classification: Likely benign for Dilated cardiomyopathy 1G; Autosomal recessive limb-girdle muscular dystrophy type 2J. Last evaluated: 2025-10-02. Review status: criteria provided, single submitter. Criteria: Invitae Variant Classification Sherloc (09022015). Collection method: clinical testing. Allele origin: germline.

PreventionGenetics, part of Exact Sciences
Classification: Likely benign for TTN-related condition. Last evaluated: 2025-03-20. Review status: criteria provided, single submitter. Criteria: ACMG Guidelines, 2015. Collection method: clinical testing. Allele origin: germline.
Comment: This variant is classified as likely benign based on ACMG/AMP sequence variant interpretation guidelines (Richards et al. 2015 PMID: 25741868, with internal and published modifications).

Women's Health and Genetics/Laboratory Corporation of America, LabCorp
Classification: Likely benign. Last evaluated: 2022-11-12. Review status: criteria provided, single submitter. Criteria: LabCorp Variant Classification Summary - May 2015. Collection method: clinical testing. Allele origin: germline.

Ambry Genetics
Classification: Likely benign for Cardiovascular phenotype. Last evaluated: 2019-08-10. Review status: criteria provided, single submitter. Criteria: Ambry Variant Classification Scheme 2023. Collection method: clinical testing. Allele origin: germline.

GeneDx
Classification: Likely benign. Last evaluated: 2018-05-31. Review status: criteria provided, single submitter. Criteria: GeneDx Variant Classification (06012015). Collection method: clinical testing. Allele origin: germline. Affected: yes.
Comment: This variant is considered likely benign or benign based on one or more of the following criteria: it is a conservative change, it occurs at a poorly conserved position in the protein, it is predicted to be benign by multiple in silico algorithms, and/or has population frequency not consistent with disease.

NM_001267550.2(TTN):c.59736T>C (p.Tyr19912=)

Genes: TTN (titin; minus strand), TTN-AS1 (TTN antisense RNA 1; plus strand), LOC126806424 (CDK7 strongly-dependent group 2 enhancer GRCh37_chr2:179456337-179457536; plus strand). Cytogenetic location: 2q31.2.
Variant type: single nucleotide variant.
Coding change: c.59736T>C on transcript NM_001267550.2 (MANE Select); coding-DNA position 59736, T replaced by C.
Protein change: p.Tyr19912=; no amino-acid change (tyrosine 19912 retained).
Molecular consequence: synonymous variant.
Genome position (GRCh38, 1-based): chr2:178,592,168, A>G on the plus strand (T>C on the coding strand, the complement: TTN is on the minus strand). VCF-style: chr2-178592168-A-G. GRCh37 (hg19) VCF-style: chr2-179456895-A-G.
Other names: c.54813T>C, p.Tyr18271= (NM_001256850.1); c.32541T>C, p.Tyr10847= (NM_003319.4); c.52032T>C, p.Tyr17344= (NM_133378.4); c.32916T>C, p.Tyr10972= (NM_133432.3); c.33117T>C, p.Tyr11039= (NM_133437.4).
Identifiers: ClinVar variation 669201 (VCV000669201.14), dbSNP rs184969946, ClinGen allele CA1992610.
Genomic context (GRCh38, chr2:178,592,168, plus strand): 5'-CTTTGATGTAGCTGAGAGAGGTGACCACTGGGCGCTGGCAACATCTCTCCTCTCAACCAC[A>G]TAATTGGTAATAACAGAACCACCATCATCCAGTGGTTCTTTCCAAGTAAGGTAACATGAA-3'
Protein context (NP_001254479.2, residues 19902-19922): LDDGGSVITN[Tyr19912=]VVERRDVASA